The following is an entry in ClinVar:

ClinVar aggregate classification (germline): Likely benign (1 of 4 stars; one submission).

Submission:

CeGaT Center for Human Genetics Tuebingen
Classification: Likely benign. Last evaluated: 2026-05-01. Review status: criteria provided, single submitter. Criteria: CeGaT Center For Human Genetics Tuebingen Variant Classification Criteria Version 2. Collection method: clinical testing. Allele origin: germline. Affected: yes. Observed: 1 variant allele.
Comment: KMT2C: PM2:Supporting, BP4, BP7

NM_170606.3(KMT2C):c.1002T>C (p.Ala334=)

Gene: KMT2C (lysine methyltransferase 2C; minus strand). Cytogenetic location: 7q36.1.
Variant type: single nucleotide variant.
Coding change: c.1002T>C on transcript NM_170606.3 (MANE Select); coding-DNA position 1002, T replaced by C.
Protein change: p.Ala334=; no amino-acid change (alanine 334 retained).
Molecular consequence: synonymous variant.
Genome position (GRCh38, 1-based): chr7:152,273,715, A>G on the plus strand (T>C on the coding strand, the complement: KMT2C is on the minus strand). VCF-style: chr7-152273715-A-G. GRCh37 (hg19) VCF-style: chr7-151970800-A-G.
Identifiers: ClinVar variation 4872047 (VCV004872047.2).